The following is an entry in ClinVar:

NM_000548.5(TSC2):c.2183G>T (p.Cys728Phe)

Gene: TSC2 (TSC complex subunit 2; plus strand). Cytogenetic location: 16p13.3.
Variant type: single nucleotide variant.
Coding change: c.2183G>T on transcript NM_000548.5 (MANE Select); coding-DNA position 2183, G replaced by T.
Protein change: p.Cys728Phe; replaces cysteine 728 with phenylalanine.
Molecular consequence: missense variant.
Genome position (GRCh38, 1-based): chr16:2,072,326, G>T. VCF-style: chr16-2072326-G-T. GRCh37 (hg19) VCF-style: chr16-2122327-G-T.
Other names: c.2183G>T, p.Cys728Phe (NM_001077183.3, NM_001114382.3, NM_001363528.2 and 3 more transcripts); c.2072G>T, p.Cys691Phe (NM_001318827.2); c.2036G>T, p.Cys679Phe (NM_001318829.2); c.1583G>T, p.Cys528Phe (NM_001318831.2); c.2216G>T, p.Cys739Phe (NM_001318832.2); short protein forms C728F, C679F, C528F, C691F, C739F.
Identifiers: ClinVar variation 64882 (VCV000064882.6), dbSNP rs397514908, ClinGen allele CA016890.

ClinVar aggregate classification (germline): Uncertain significance. Review status: criteria provided, multiple submitters, no conflicts (2 of 4 stars). 3 submissions from 3 submitters: Uncertain significance (2). 1 of the submissions does not count toward it. Last evaluated 2023-12-18.

Conditions:
Autism spectrum disorder. Also called: Autism spectrum disorders. Identifiers: MedGen C1510586, MeSH D000067877, MONDO:0005258.
Tuberous sclerosis syndrome (TSC). Also called: Tuberous Sclerosis Complex; Tuberous sclerosis. Identifiers: Orphanet 805, MedGen C0041341, MONDO:0001734.
Tuberous sclerosis 2 (TSC2). Identifiers: Orphanet 805, MedGen C1860707, MONDO:0013199, OMIM 613254.

Submissions (3):

All of Us Research Program, National Institutes of Health
Classification: Uncertain significance for Tuberous sclerosis syndrome. Last evaluated: 2023-12-18. Review status: criteria provided, single submitter. Criteria: ACMG Guidelines, 2015. Collection method: clinical testing. Allele origin: germline. Inheritance: Autosomal dominant inheritance. Observed: 1 variant allele, 1 heterozygote.
Comment: This missense variant replaces cysteine with phenylalanine at codon 728 of the TSC2 protein. Computational prediction suggests that this variant may have deleterious impact on protein structure and function (internally defined REVEL score threshold >= 0.7, PMID: 27666373). To our knowledge, functional studies have not been reported for this variant. This variant has not been reported in individuals affected with TSC2-related disorders in the literature. This variant has not been identified in the general population by the Genome Aggregation Database (gnomAD). The available evidence is insufficient to determine the role of this variant in disease conclusively. Therefore, this variant is classified as a Variant of Uncertain Significance.

This study involves interpretation of variants in research participants for the purpose of population health screening. Participant phenotype was not available at the time of variant classification. Additional details can be found in publication PMID: 35346344, PMCID: PMC8962531

Labcorp Genetics (formerly Invitae), Labcorp
Classification: Uncertain significance for Tuberous sclerosis 2. Last evaluated: 2021-08-13. Review status: criteria provided, single submitter. Criteria: Invitae Variant Classification Sherloc (09022015). Collection method: clinical testing. Allele origin: germline.
Comment: This sequence change replaces cysteine with phenylalanine at codon 728 of the TSC2 protein (p.Cys728Phe). The cysteine residue is highly conserved and there is a large physicochemical difference between cysteine and phenylalanine. This variant is not present in population databases (ExAC no frequency). This variant has not been reported in the literature in individuals affected with TSC2-related conditions. ClinVar contains an entry for this variant (Variation ID: 64882). Algorithms developed to predict the effect of missense changes on protein structure and function are either unavailable or do not agree on the potential impact of this missense change (SIFT: "Deleterious"; PolyPhen-2: "Probably Damaging"; Align-GVGD: "Class C0"). In summary, the available evidence is currently insufficient to determine the role of this variant in disease. Therefore, it has been classified as a Variant of Uncertain Significance.

Tuberous sclerosis database (TSC2)
No classification provided. Condition: ASD. Review status: no classification provided. Criteria: Tuberous Sclerosis Database Assertion Criteria 2015. Collection method: curation. Allele origin: germline. Affected: yes. Not counted in ClinVar's aggregate classification.